The following is an entry in ClinVar:

NM_000089.4(COL1A2):c.1610A>G (p.Gln537Arg)

Gene: COL1A2 (collagen type I alpha 2 chain; plus strand). Cytogenetic location: 7q21.3.
Variant type: single nucleotide variant.
Coding change: c.1610A>G on transcript NM_000089.4 (MANE Select); coding-DNA position 1610, A replaced by G.
Protein change: p.Gln537Arg; replaces glutamine 537 with arginine.
Molecular consequence: missense variant.
Genome position (GRCh38, 1-based): chr7:94,413,742, A>G. VCF-style: chr7-94413742-A-G. GRCh37 (hg19) VCF-style: chr7-94043054-A-G.
Other names: short protein forms Q537R.
Identifiers: ClinVar variation 4793690 (VCV004793690.1).

ClinVar aggregate classification (germline): Uncertain significance (1 of 4 stars; one submission).

Conditions:
Ehlers-Danlos syndrome, classic type, 1 (EDSCL1). Also called: EHLERS-DANLOS SYNDROME, GRAVIS TYPE; EHLERS-DANLOS SYNDROME, SEVERE CLASSIC TYPE; Ehlers-Danlos syndrome, type 1; Ehlers-Danlos Syndrome, Classic Type, COL5A1-Related; EDS I. Identifiers: MedGen C0268335, MONDO:0019567, OMIM 130000.
Osteogenesis imperfecta type I (OI1). Also called: OI, TYPE I; OSTEOGENESIS IMPERFECTA TARDA; OSTEOGENESIS IMPERFECTA WITH BLUE SCLERAE; Osteogenesis imperfecta type 1; Lobstein's Disease; Lobstein disease. Identifiers: Orphanet 216796, Orphanet 666, MedGen C0023931, MONDO:0008146, OMIM 166200. Disease mechanism: loss of function.

gnomAD v4.1: 62 of 1,614,202 alleles (0.0038%); highest among the groups gnomAD compares: East Asian, 0.13%; 1 homozygote.

Submission:

Labcorp Genetics (formerly Invitae), Labcorp
Classification: Uncertain significance for Osteogenesis imperfecta type I; Ehlers-Danlos syndrome, classic type, 1. Last evaluated: 2025-10-07. Review status: criteria provided, single submitter. Criteria: Invitae Variant Classification Sherloc (09022015). Collection method: clinical testing. Allele origin: germline.
Comment: This sequence change replaces glutamine, which is neutral and polar, with arginine, which is basic and polar, at codon 537 of the COL1A2 protein (p.Gln537Arg). This variant is present in population databases (rs200267911, gnomAD 0.06%). This variant has not been reported in the literature in individuals affected with COL1A2-related conditions. Experimental studies and prediction algorithms are not available or were not evaluated, and the functional significance of this variant is currently unknown. In summary, the available evidence is currently insufficient to determine the role of this variant in disease. Therefore, it has been classified as a Variant of Uncertain Significance.